The following is an entry in ClinVar:

NM_153240.5(NPHP3):c.79G>A (p.Ala27Thr)

Genes: NPHP3 (nephrocystin 3; minus strand), NPHP3-ACAD11 (NPHP3-ACAD11 readthrough (NMD candidate); minus strand), NPHP3-AS1 (NPHP3 antisense RNA 1; plus strand), LOC129937586 (ATAC-STARR-seq lymphoblastoid silent region 14743; plus strand). Cytogenetic location: 3q22.1.
Variant type: single nucleotide variant.
Coding change: c.79G>A on transcript NM_153240.5 (MANE Select); coding-DNA position 79, G replaced by A.
Protein change: p.Ala27Thr; replaces alanine 27 with threonine.
Molecular consequence: missense variant. On other transcripts: non-coding transcript variant (3).
Genome position (GRCh38, 1-based): chr3:132,722,277, C>T on the plus strand (G>A on the coding strand, the complement: NPHP3 is on the minus strand). VCF-style: chr3-132722277-C-T. GRCh37 (hg19) VCF-style: chr3-132441121-C-T.
Other names: short protein forms A27T.
Identifiers: ClinVar variation 1365533 (VCV001365533.6), dbSNP rs2108008230, ClinGen allele CA354590023.

ClinVar aggregate classification (germline): Uncertain significance (1 of 4 stars; one submission).

Conditions:
Nephronophthisis. Also called: Juvenile Nephronophthisis. Identifiers: Orphanet 655, MedGen C0687120, MONDO:0019005, HP:0000090.

Submission:

Labcorp Genetics (formerly Invitae), Labcorp
Classification: Uncertain significance for Nephronophthisis. Last evaluated: 2023-11-27. Review status: criteria provided, single submitter. Criteria: Invitae Variant Classification Sherloc (09022015). Collection method: clinical testing. Allele origin: germline.
Comment: This sequence change replaces alanine, which is neutral and non-polar, with threonine, which is neutral and polar, at codon 27 of the NPHP3 protein (p.Ala27Thr). This variant is not present in population databases (gnomAD no frequency). This variant has not been reported in the literature in individuals affected with NPHP3-related conditions. ClinVar contains an entry for this variant (Variation ID: 1365533). Advanced modeling of protein sequence and biophysical properties (such as structural, functional, and spatial information, amino acid conservation, physicochemical variation, residue mobility, and thermodynamic stability) performed at Invitae indicates that this missense variant is not expected to disrupt NPHP3 protein function with a negative predictive value of 80%. In summary, the available evidence is currently insufficient to determine the role of this variant in disease. Therefore, it has been classified as a Variant of Uncertain Significance.